The following is an entry in ClinVar:

NM_000132.4(F8):c.533T>C (p.Leu178Pro)

Gene: F8 (coagulation factor VIII; minus strand). Cytogenetic location: Xq28.
Variant type: single nucleotide variant.
Coding change: c.533T>C on transcript NM_000132.4 (MANE Select); coding-DNA position 533, T replaced by C.
Protein change: p.Leu178Pro; replaces leucine 178 with proline.
Molecular consequence: missense variant.
Genome position (GRCh38, 1-based): chrX:154,993,004, A>G on the plus strand (T>C on the coding strand, the complement: F8 is on the minus strand). VCF-style: chrX-154993004-A-G. GRCh37 (hg19) VCF-style: chrX-154221279-A-G.
Other names: short protein forms L178P.
Identifiers: ClinVar variation 4685904 (VCV004685904.1).

ClinVar aggregate classification (germline): Uncertain significance (1 of 4 stars; one submission).

Submission:

ARUP Laboratories, Molecular Genetics and Genomics, ARUP Laboratories
Classification: Uncertain significance. Last evaluated: 2024-12-31. Review status: criteria provided, single submitter. Criteria: ARUP Molecular Germline Variant Investigation Process 2024. Collection method: clinical testing. Allele origin: germline.
Comment: The F8 c.533T>C; p.Leu178Pro variant, to our knowledge, is not reported in the medical literature or gene specific databases. This variant is also absent from the Genome Aggregation Database (v2.1.1), indicating it is not a common polymorphism. Additionally, another variant at this codon (c.532C>G, p.Leu178Val) has been reported in one individual with severe hemophilia A (Lin 2008). Computational analyses are uncertain whether this variant is neutral or deleterious (REVEL: 0.652). Due to limited information, the clinical significance of this variant is uncertain at this time. References: Lin SY et al. Mutation spectrum of 122 hemophilia A families from Taiwanese population by LD-PCR, DHPLC, multiplex PCR and evaluating the clinical application of HRM. BMC Med Genet. 2008 Jun 20;9:53. PMID: 18565236.